The following is an entry in ClinVar:

NM_002335.4(LRP5):c.2626G>A (p.Gly876Ser)

Gene: LRP5 (LDL receptor related protein 5; plus strand). Cytogenetic location: 11q13.2.
Variant type: single nucleotide variant.
Coding change: c.2626G>A on transcript NM_002335.4 (MANE Select); coding-DNA position 2626, G replaced by A.
Protein change: p.Gly876Ser; replaces glycine 876 with serine.
Molecular consequence: missense variant.
Genome position (GRCh38, 1-based): chr11:68,413,811, G>A. VCF-style: chr11-68413811-G-A. GRCh37 (hg19) VCF-style: chr11-68181279-G-A.
Other names: c.883G>A, p.Gly295Ser (NM_001291902.2); short protein forms G295S, G876S.
Identifiers: ClinVar variation 3600212 (VCV003600212.3).

ClinVar aggregate classification (germline): Likely pathogenic. Review status: criteria provided, multiple submitters, no conflicts (2 of 4 stars). 2 submissions from 2 submitters: Likely pathogenic (2). Last evaluated 2024-05-29.

Conditions:
Osteoporosis with pseudoglioma (OPPG). Also called: osteoporosis-pseudoglioma syndrome. Identifiers: Orphanet 2788, MedGen C0432252, MONDO:0009820, OMIM 259770.
Bone mineral density quantitative trait locus 1 (BMND1). Identifiers: MedGen C1866079, OMIM 601884.
Exudative vitreoretinopathy 4 (EVR4). Identifiers: Orphanet 891, MedGen C1866176, MONDO:0011151, OMIM 601813.
Worth disease. Also called: Autosomal dominant osteosclerosis, Worth type; ENDOSTEAL HYPEROSTOSIS, AUTOSOMAL DOMINANT; OSTEOSCLEROSIS, AUTOSOMAL DOMINANT. Identifiers: Orphanet 2790, MedGen C0432273, MONDO:0007764, OMIM 144750.
Polycystic liver disease 4 with or without kidney cysts. Identifiers: MedGen C4693479, MONDO:0044327, OMIM 617875.
Autosomal dominant osteopetrosis 1 (OPTA1). Also called: OSTEOPETROSIS, AUTOSOMAL DOMINANT, TYPE I. Identifiers: Orphanet 2783, MedGen C1843330, MONDO:0011877, OMIM 607634.

gnomAD v4.1: 4 of 1,613,644 alleles (0.00025%); highest among the groups gnomAD compares: Non-Finnish European, 0.00034%; no homozygotes.

Submissions (2):

Fulgent Genetics
Classification: Likely pathogenic for Worth disease; Osteoporosis with pseudoglioma; Exudative vitreoretinopathy 4; Bone mineral density quantitative trait locus 1; Autosomal dominant osteopetrosis 1; Polycystic liver disease 4 with or without kidney cysts. Last evaluated: 2024-05-29. Review status: criteria provided, single submitter. Criteria: ACMG Guidelines, 2015. Collection method: clinical testing. Allele origin: germline.

Juno Genomics, Hangzhou Juno Genomics, Inc
Classification: Likely pathogenic for Bone mineral density quantitative trait locus 1; Worth disease; Exudative vitreoretinopathy 4; Autosomal dominant osteopetrosis 1; Osteoporosis with pseudoglioma; Polycystic liver disease 4 with or without kidney cysts. Review status: criteria provided, single submitter. Criteria: ACMG Guidelines, 2015. Collection method: clinical testing. Allele origin: germline.
Comment: Absent from controls (or at extremely low frequency if recessive) in Genome Aggregation Database.;Multiple lines of computational evidence support a deleterious effect on the gene or gene product.;Missense variant in a gene that has a low rate of benign missense variation.;For recessive disorders, detected in trans with a pathogenic variant.